The following is an entry in ClinVar:

NM_198076.6(COX20):c.166AGA[1] (p.Arg57del)

Gene: COX20 (cytochrome c oxidase assembly factor COX20; plus strand). Cytogenetic location: 1q44.
Variant type: Microsatellite.
Coding change: c.166AGA[1] on transcript NM_198076.6 (MANE Select); one copy of the 3-base unit AGA starting at c.166; the reference has two copies in a row; one copy, 3 bases deleted.
Protein change: p.Arg57del; deletes arginine 57.
Molecular consequence: inframe deletion. On other transcripts: non-coding transcript variant (3).
Genome position (GRCh38, 1-based): chr1:244,842,206-244,842,208, AGA deleted; deleting any 3 consecutive bases within chr1:244,842,203-244,842,208 gives the same sequence; the position shown is the placement nearest the transcript's 3' end. VCF-style (leftmost placement, unchanged base first): chr1-244842202-TAGA-T. GRCh37 (hg19) VCF-style: chr1-245005504-TAGA-T.
Other names: c.166AGA[1], p.Arg57del (NM_001312871.1); c.202AGA[1], p.Arg69del (NM_001312872.1); c.31AGA[1], p.Arg12del (NM_001312873.1); c.162AGA[1], p.Glu55del (NM_001312874.1); short protein forms E55del, R12del, R57del, R69del.
Identifiers: ClinVar variation 3253297 (VCV003253297.1), dbSNP rs755959906.

ClinVar aggregate classification (germline): Uncertain significance (1 of 4 stars; one submission).

Submission:

GeneDx
Classification: Uncertain significance. Last evaluated: 2023-10-11. Review status: criteria provided, single submitter. Criteria: GeneDx Variant Classification Process June 2021. Collection method: clinical testing. Allele origin: germline. Affected: yes.
Comment: Not observed at significant frequency in large population cohorts (gnomAD); In-frame deletion of 1 amino acid in a non-repeat region; In silico analysis supports that this variant does not alter protein structure/function; Has not been previously published as pathogenic or benign to our knowledge